The following is an entry in ClinVar:

ClinVar aggregate classification (germline): Uncertain significance (1 of 4 stars; one submission).

Conditions:
Familial hypobetalipoproteinemia 1. Also called: APOB-Related Familial Hypobetalipoproteinemia; Hypobetalipoproteinemia, normotriglyceridemic; Acanthocytosis with hypobetalipoproteinemia. Identifiers: MedGen C4551990, MONDO:0014252, OMIM 615558.
Hypercholesterolemia, autosomal dominant, type B (FHCL2). Also called: Familial Hypercholesterolemia Type B; APOLIPOPROTEIN B-100, FAMILIAL DEFECTIVE; APOLIPOPROTEIN B-100, FAMILIAL LIGAND-DEFECTIVE; HYPERCHOLESTEROLEMIA, FAMILIAL, DUE TO LIGAND-DEFECTIVE APOLIPOPROTEIN B; Hyperlipoproteinemia Type IIb; Familial hypercholesterolemia 2. Identifiers: MedGen C1704417, MONDO:0007751, OMIM 144010.

Submission:

Labcorp Genetics (formerly Invitae), Labcorp
Classification: Uncertain significance for Familial hypobetalipoproteinemia 1; Hypercholesterolemia, autosomal dominant, type B. Last evaluated: 2024-05-04. Review status: criteria provided, single submitter. Criteria: Invitae Variant Classification Sherloc (09022015). Collection method: clinical testing. Allele origin: germline.
Comment: This sequence change replaces phenylalanine, which is neutral and non-polar, with serine, which is neutral and polar, at codon 4255 of the APOB protein (p.Phe4255Ser). This variant is not present in population databases (gnomAD no frequency). This variant has not been reported in the literature in individuals affected with APOB-related conditions. Advanced modeling of protein sequence and biophysical properties (such as structural, functional, and spatial information, amino acid conservation, physicochemical variation, residue mobility, and thermodynamic stability) performed at Invitae indicates that this missense variant is not expected to disrupt APOB protein function with a negative predictive value of 95%. In summary, the available evidence is currently insufficient to determine the role of this variant in disease. Therefore, it has been classified as a Variant of Uncertain Significance.

NM_000384.3(APOB):c.12764T>C (p.Phe4255Ser)

Gene: APOB (apolipoprotein B; minus strand). Cytogenetic location: 2p24.1.
Variant type: single nucleotide variant.
Coding change: c.12764T>C on transcript NM_000384.3 (MANE Select); coding-DNA position 12764, T replaced by C.
Protein change: p.Phe4255Ser; replaces phenylalanine 4255 with serine.
Molecular consequence: missense variant.
Genome position (GRCh38, 1-based): chr2:21,002,658, A>G on the plus strand (T>C on the coding strand, the complement: APOB is on the minus strand). VCF-style: chr2-21002658-A-G. GRCh37 (hg19) VCF-style: chr2-21225530-A-G.
Other names: short protein forms F4255S.
Identifiers: ClinVar variation 3753593 (VCV003753593.2).
Genomic context (GRCh38, chr2:21,002,658, plus strand): 5'-TCTTTCAACAGTTCCCTATACATCGAGATTACATCTATTAGTTTATGTTTCCTTAACTCG[A>G]AAGGAAGTGTAATCACTAGGTCTTGGAAATAGGAAAACAGTATTTCTGAACCATTATGGA-3'
Protein context (NP_000375.3, residues 4245-4265): YFQDLVITLP[Phe4255Ser]ELRKHKLIDV